The following is an entry in ClinVar:

NM_006269.2(RP1):c.2138T>C (p.Ile713Thr)

Gene: RP1 (RP1 axonemal microtubule associated; plus strand). Cytogenetic location: 8q12.1.
Variant type: single nucleotide variant.
Coding change: c.2138T>C on transcript NM_006269.2 (MANE Select); coding-DNA position 2138, T replaced by C.
Protein change: p.Ile713Thr; replaces isoleucine 713 with threonine.
Molecular consequence: missense variant. On other transcripts: intron variant (1).
Genome position (GRCh38, 1-based): chr8:54,626,020, T>C. VCF-style: chr8-54626020-T-C. GRCh37 (hg19) VCF-style: chr8-55538580-T-C.
Other names: c.787+3732T>C (NM_001375654.1); short protein forms I713T.
Identifiers: ClinVar variation 1409250 (VCV001409250.6), dbSNP rs2129316444, ClinGen allele CA370992817.

ClinVar aggregate classification (germline): Uncertain significance (1 of 4 stars; one submission).

Allele frequency attached by ClinVar (database versions not stated): gnomAD exomes below 0.00001.
gnomAD v4.1: 1 of 1,613,902 alleles (0.000062%); highest among the groups gnomAD compares: East Asian, 0.0022%; no homozygotes.

Submission:

Labcorp Genetics (formerly Invitae), Labcorp
Classification: Uncertain significance. Last evaluated: 2022-02-24. Review status: criteria provided, single submitter. Criteria: Invitae Variant Classification Sherloc (09022015). Collection method: clinical testing. Allele origin: germline.
Comment: In summary, the available evidence is currently insufficient to determine the role of this variant in disease. Therefore, it has been classified as a Variant of Uncertain Significance. Algorithms developed to predict the effect of missense changes on protein structure and function (SIFT, PolyPhen-2, Align-GVGD) all suggest that this variant is likely to be tolerated. This variant has not been reported in the literature in individuals affected with RP1-related conditions. This variant is not present in population databases (gnomAD no frequency). This sequence change replaces isoleucine, which is neutral and non-polar, with threonine, which is neutral and polar, at codon 713 of the RP1 protein (p.Ile713Thr).